The following is an entry in ClinVar:

ClinVar aggregate classification (germline): Pathogenic/Likely pathogenic. Review status: criteria provided, multiple submitters, no conflicts (2 of 4 stars). 12 submissions from 12 submitters: Pathogenic (3); Likely pathogenic (6). 3 of the submissions do not count toward it. Last evaluated 2026-02-02.

Conditions:
BTD-related disorder. Also called: BTD-related condition.
Possible mitochondrial disorder - nuclear genes.
Biotinidase deficiency. Also called: BTD deficiency; Late-onset biotin-responsive multiple carboxylase deficiency; Biotin deficiency. Identifiers: Orphanet 79241, MedGen C0220754, MONDO:0009665, OMIM 253260.

Allele frequency attached by ClinVar (database versions not stated): TOPMed 0.00003; gnomAD 0.00004 and 0.00007; gnomAD exomes 0.00012 and 0.00026; 1000 Genomes Project 0.00020; ExAC 0.00027; 1000 Genomes Project 30x 0.00031.
gnomAD v4.1: 185 of 1,614,192 alleles (0.011%); highest among the groups gnomAD compares: South Asian, 0.17%; 1 homozygote.

Submissions (12):

Labcorp Genetics (formerly Invitae), Labcorp
Classification: Pathogenic for Biotinidase deficiency. Last evaluated: 2026-02-02. Review status: criteria provided, single submitter. Criteria: Invitae Variant Classification Sherloc (09022015). Collection method: clinical testing. Allele origin: germline.
Comment: This sequence change replaces tyrosine, which is neutral and polar, with cysteine, which is neutral and slightly polar, at codon 454 of the BTD protein (p.Tyr454Cys). This variant is present in population databases (rs397514345, gnomAD 0.2%). This missense change has been observed in individual(s) with biotinidase deficiency (PMID: 26810761, 29995633; internal data). In at least one individual the data is consistent with being in trans (on the opposite chromosome) from a pathogenic variant. It has also been observed to segregate with disease in related individuals. ClinVar contains an entry for this variant (Variation ID: 458806). Invitae Evidence Modeling of protein sequence and biophysical properties (such as structural, functional, and spatial information, amino acid conservation, physicochemical variation, residue mobility, and thermodynamic stability) indicates that this missense variant is expected to disrupt BTD protein function with a positive predictive value of 95%. For these reasons, this variant has been classified as Pathogenic.

GeneDx
Classification: Likely pathogenic. Last evaluated: 2026-01-23. Review status: criteria provided, single submitter. Criteria: GeneDx Variant Classification Process June 2021. Collection method: clinical testing. Allele origin: germline. Affected: yes.
Comment: In silico analysis supports that this missense variant has a deleterious effect on protein structure/function; Also known as p.(Y454C); This variant is associated with the following publications: (PMID: 30616616, 33312878, 15776412, 29995633, 26810761, 31973013, 34271776, 29353266, 39582447, 33189081, 38299772, 34448386)

Genetics Laboratory, Great Ormond Street Hospital NHS Foundation Trust, North Thames Genomic Laboratory Hub
Classification: Likely pathogenic for Possible mitochondrial disorder - nuclear genes. Last evaluated: 2025-08-04. Review status: criteria provided, single submitter. Criteria: ACGS Best Practice Guidelines for Variant Classification in Rare Disease 2024 v1.2. Collection method: clinical testing. Allele origin: germline. Affected: yes.
Comment: PM2_supporting, PP3_supporting, PM3_moderate, PP4_strong

Natera, Inc.
Classification: Pathogenic for Biotinidase deficiency. Last evaluated: 2025-07-14. Review status: criteria provided, single submitter. Criteria: Natera Variant Classification Schema (03/2026). Collection method: clinical testing. Allele origin: germline.
Comment: The c.1301A>G variant in BTD is a missense variant predicted to cause substitution of tyrosine to cysteine at amino acid 434. This variant is rare in the general population with a frequency below the threshold expected for the associated phenotype(s). This variant has been observed in one or more individuals affected with the associated recessive disease, as either homozygous or compound heterozygous with a second variant (PMID: 29995633, 33312878). Computational prediction algorithms indicate this variant is likely to affect gene or protein function. Given the available evidence, this variant is classified as Pathogenic.

Women's Health and Genetics/Laboratory Corporation of America, LabCorp
Classification: Pathogenic for Biotinidase deficiency. Last evaluated: 2025-05-20. Review status: criteria provided, single submitter. Criteria: LabCorp Variant Classification Summary - May 2015. Collection method: clinical testing. Allele origin: germline.
Comment: Variant summary: BTD c.1301A>G (p.Tyr434Cys) results in a non-conservative amino acid change in the encoded protein sequence. Algorithms developed to predict the effect of missense changes on protein structure and function all suggest that this variant is likely to be disruptive. The variant allele was found at a frequency of 0.00026 in 251422 control chromosomes. This frequency is not significantly higher than estimated for a pathogenic variant in BTD causing Biotinidase Deficiency (0.00026 vs 0.0046), allowing no conclusion about variant significance. c.1301A>G has been observed in multiple individuals affected with Biotinidase Deficiency (Ercan_2020, Canda_2018, Sharma_2023, Internal data). These data indicate that the variant is very likely to be associated with disease. At least one publication reports experimental evidence evaluating an impact on protein function. The most pronounced variant effect results in 26%-35% of normal activity (Ercan_2020). The following publications have been ascertained in the context of this evaluation (PMID: 34448386, 33189081, 26810761, 29353266, 15776412, 29995633, 31973013, 38299772). ClinVar contains an entry for this variant (Variation ID: 458806). Based on the evidence outlined above, the variant was classified as pathogenic.

Fulgent Genetics
Classification: Likely pathogenic for Biotinidase deficiency. Last evaluated: 2024-05-31. Review status: criteria provided, single submitter. Criteria: ACMG Guidelines, 2015. Collection method: clinical testing. Allele origin: germline.

Baylor Genetics
Classification: Likely pathogenic for Biotinidase deficiency. Last evaluated: 2024-03-16. Review status: criteria provided, single submitter. Criteria: ACMG Guidelines, 2015. Collection method: clinical testing. Allele origin: unknown.

Revvity Omics, Revvity
Classification: Likely pathogenic for Biotinidase deficiency. Last evaluated: 2022-07-26. Review status: criteria provided, single submitter. Criteria: ACMG Guidelines, 2015. Collection method: clinical testing. Allele origin: germline.

Quest Diagnostics Nichols Institute San Juan Capistrano
Classification: Likely pathogenic. Last evaluated: 2021-05-28. Review status: criteria provided, single submitter. Criteria: Quest Diagnostics criteria. Collection method: clinical testing. Allele origin: unknown.
Comment: The variant has been reported in multiple individuals with profound or partial biotinidase deficiency (PMID: 33312878 (2020), 29995633 (2018), 26810761 (2016), 15776412 (2005)). Variant occurs in 3 or more cases with a lone recessive pathogenic/likely pathogenic variant in the same gene, and at least 3 cases have phenotype known to be consistent with disease. Variant is predicted to have a damaging effect on the protein.Based on the available information, the variant is predicted to be likely pathogenic.

PreventionGenetics, part of Exact Sciences
Classification: Likely pathogenic for BTD-related condition. Last evaluated: 2024-05-13. Review status: no assertion criteria provided. Collection method: clinical testing. Allele origin: germline. Not counted in ClinVar's aggregate classification.
Comment: The BTD c.1361A>G variant is predicted to result in the amino acid substitution p.Tyr454Cys. This variant has been reported along with an additional BTD variant(s) in multiple patients with profound biotinidase deficiency (<10% enzyme activity) (Wolf et al. 2005. PubMed ID: 15776412; Procter et al. 2016. PubMed ID: 26810761; Canda et al. 2018. PubMed ID: 29995633). It has also been reported in patients with partial biotinidase deficiency (10%-30% enzyme activity) (Hsu et al. 2019. PubMed ID: 30616616; Funghini et al. 2020. PubMed ID: 33312878) and in several patients with abnormal newborn screen results suggestive of biotinidase deficiency (Seker Yilmaz et al. 2018. PubMed ID: 29353266). This variant is reported in 0.21% of alleles in individuals of South Asian descent in gnomAD. Taken together, this variant is interpreted as likely pathogenic.

Counsyl
Classification: Uncertain significance for Biotinidase deficiency. Last evaluated: 2018-01-05. Review status: flagged submission. Collection method: clinical testing. Allele origin: unknown. Not counted in ClinVar's aggregate classification.
ClinVar note: Reason: Older and outlier claim with insufficient supporting evidence

Neuberg Centre For Genomic Medicine, NCGM
Classification: Uncertain significance for Biotinidase deficiency. Review status: flagged submission. Criteria: ACMG Guidelines, 2015. Collection method: clinical testing. Allele origin: germline. Inheritance: Autosomal recessive inheritance. Affected: yes. Not counted in ClinVar's aggregate classification.
Comment: The observed missense c.1301A>G(p.Tyr434Cys) variant in BTD gene has been reported previously in compound heterozygous state in multiple individuals affected with biotinidase deficiency (Al-Eitan LN, et al., 2020; Muthaffar OY., 2021; Baykal T, et al., 2005). This variant has also been observed to segregate with disease in related individuals. The p.Tyr434Cys variant has been reported with allele frequency of 0.03% in gnomAD Exomes. This variant has been reported to the ClinVar database as Uncertain Significance / Pathogenic / Likely Pathogenic. Multiple lines of computational evidences (Polyphen - Probably damaging, SIFT - Damaging and MutationTaster - Disease causing) predict a damaging effect on protein structure and function for this variant. The reference amino acid is predicted as conserved by GERP++ and PhyloP across 100 vertebrates. The amino acid Tyr at position 434 is changed to a Cys changing protein sequence and it might alter its composition and physico-chemical properties. However, additional functional studies will be required to prove the pathogenicity of this variant. For these reasons, this variant has been classified as Likely Pathogenic.
ClinVar note: Notes: Lab calls variant likely pathogenic in evidence summary but submitted an interpretation of uncertain significance.
ClinVar note: Reason: Other submission error

Literature cited by the submitters: PubMed 26810761 (cited by 4 submitters); PubMed 29995633 (cited by 4 submitters); PubMed 33312878 (cited by Natera, Inc. and Quest Diagnostics Nichols Institute San Juan Capistrano); PubMed 29353266 (cited by Women's Health and Genetics/Laboratory Corporation of America, LabCorp and Quest Diagnostics Nichols Institute San Juan Capistrano); PubMed 33189081 (cited by Women's Health and Genetics/Laboratory Corporation of America, LabCorp); PubMed 34448386 (cited by Women's Health and Genetics/Laboratory Corporation of America, LabCorp); PubMed 15776412 (cited by 3 submitters); PubMed 38299772 (cited by Women's Health and Genetics/Laboratory Corporation of America, LabCorp); PubMed 31973013 (cited by Women's Health and Genetics/Laboratory Corporation of America, LabCorp and Quest Diagnostics Nichols Institute San Juan Capistrano); PubMed 30616616 (cited by Quest Diagnostics Nichols Institute San Juan Capistrano).

NM_001370658.1(BTD):c.1301A>G (p.Tyr434Cys)

Gene: BTD (biotinidase; plus strand). Cytogenetic location: 3p25.1.
Variant type: single nucleotide variant.
Coding change: c.1301A>G on transcript NM_001370658.1 (MANE Select); coding-DNA position 1301, A replaced by G.
Protein change: p.Tyr434Cys; replaces tyrosine 434 with cysteine.
Molecular consequence: missense variant. On other transcripts: intron variant (2).
Genome position (GRCh38, 1-based): chr3:15,645,217, A>G. VCF-style: chr3-15645217-A-G. GRCh37 (hg19) VCF-style: chr3-15686724-A-G.
Other names: c.1301A>G, p.Tyr434Cys (NM_001407369.1, NM_001407370.1, NM_001407371.1 and 16 more transcripts); c.1361A>G, p.Tyr454Cys (NM_000060.4); c.1015+286A>G (NM_001370752.1); c.399+3160A>G (NM_001370753.1); short protein forms Y434C.
Identifiers: ClinVar variation 458806 (VCV000458806.35), dbSNP rs397514345, ClinGen allele CA2277463.
Genomic context (GRCh38, chr3:15,645,217, plus strand): 5'-CCAAAGAGCTGTATGCCCTGGGGGTCTTTGATGGGCTTCACACAGTACATGGCACTTACT[A>G]CATCCAAGTGTGTGCCCTGGTCAGGTGTGGGGGTCTTGGCTTCGACACCTGTGGACAGGA-3'
Protein context (NP_001357587.1, residues 424-444): DGLHTVHGTY[Tyr434Cys]IQVCALVRCG